The following is an entry in ClinVar:

ClinVar aggregate classification (germline): Uncertain significance (1 of 4 stars; one submission).

Conditions:
Inborn genetic diseases. Identifiers: MedGen C0950123, MeSH D030342.

Submission:

Ambry Genetics
Classification: Uncertain significance for Inborn genetic diseases. Last evaluated: 2025-08-09. Review status: criteria provided, single submitter. Criteria: Ambry Variant Classification Scheme 2023. Collection method: clinical testing. Allele origin: germline.
Comment: The p.R119C variant (also known as c.355C>T), located in coding exon 1 of the SH2B3 gene, results from a C to T substitution at nucleotide position 355. The arginine at codon 119 is replaced by cysteine, an amino acid with highly dissimilar properties. This amino acid position is conserved. In addition, this alteration is predicted to be tolerated by in silico analysis. Based on the available evidence, the clinical significance of this variant remains unclear.

NM_005475.3(SH2B3):c.355C>T (p.Arg119Cys)

Gene: SH2B3 (SH2B adaptor protein 3; plus strand). Cytogenetic location: 12q24.12.
Variant type: single nucleotide variant.
Coding change: c.355C>T on transcript NM_005475.3 (MANE Select); coding-DNA position 355, C replaced by T.
Protein change: p.Arg119Cys; replaces arginine 119 with cysteine.
Molecular consequence: missense variant.
Genome position (GRCh38, 1-based): chr12:111,418,500, C>T. VCF-style: chr12-111418500-C-T. GRCh37 (hg19) VCF-style: chr12-111856304-C-T.
Other names: short protein forms R119C.
Identifiers: ClinVar variation 4163982 (VCV004163982.1).